The following is an entry in ClinVar:

ClinVar aggregate classification (germline): Conflicting classifications of pathogenicity. Review status: criteria provided, conflicting classifications (1 of 4 stars). 5 submissions from 5 submitters: Uncertain significance (2); Likely benign (3). Last evaluated 2025-12-17.

Allele frequency attached by ClinVar (database versions not stated): gnomAD 0.00009 and 0.00010; TOPMed 0.00013; 1000 Genomes Project 30x 0.00016; gnomAD exomes 0.00017 and 0.00035; 1000 Genomes Project 0.00020; ExAC 0.00021; ESP Exome Variant Server 0.00049.
gnomAD v4.1: 527 of 1,613,006 alleles (0.033%); highest among the groups gnomAD compares: Non-Finnish European, 0.042%; no homozygotes.

Submissions (5):

Labcorp Genetics (formerly Invitae), Labcorp
Classification: Likely benign. Last evaluated: 2025-12-17. Review status: criteria provided, single submitter. Criteria: Invitae Variant Classification Sherloc (09022015). Collection method: clinical testing. Allele origin: germline.

Blueprint Genetics
Classification: Likely benign. Last evaluated: 2024-04-29. Review status: criteria provided, single submitter. Criteria: ACMG Guidelines, 2015. Collection method: clinical testing. Allele origin: germline.

Mayo Clinic Laboratories, Mayo Clinic
Classification: Uncertain significance. Last evaluated: 2023-11-17. Review status: criteria provided, single submitter. Criteria: ACMG Guidelines, 2015. Collection method: clinical testing. Allele origin: germline. Observed: 1 variant allele.
Comment: BP4, PM2

GeneDx
Classification: Uncertain significance. Last evaluated: 2021-04-27. Review status: criteria provided, single submitter. Criteria: GeneDx Variant Classification Process June 2021. Collection method: clinical testing. Allele origin: germline. Affected: yes.
Comment: Identified by exome sequencing in a patient in the published literature (Li et al., 2021) with presumed ocular histoplasmosis syndrome, but it was not reported if the patient had other variants identified that could be associated with the phenotype; In silico analysis supports that this missense variant has a deleterious effect on protein structure/function; This variant is associated with the following publications: (PMID: 32707200)

Laboratory for Molecular Medicine, Mass General Brigham Personalized Medicine
Classification: Likely benign. Last evaluated: 2017-01-19. Review status: criteria provided, single submitter. Criteria: LMM Criteria. Collection method: clinical testing. Allele origin: germline. Observed: 3 variant alleles.
Comment: p.Pro2799Leu in exon 37 of GPR98: This variant is not expected to have clinical significance due to a lack of conservation across mammals and computational anal yses do not suggest a high likelihood of impact to the protein. It has been id entified in 21/66654 of European chromosomes by the Exome Aggregation Consortium (ExAC; dbSNP rs200179979).

NM_032119.4(ADGRV1):c.8396C>T (p.Pro2799Leu)

Gene: ADGRV1 (adhesion G protein-coupled receptor V1; plus strand). Cytogenetic location: 5q14.3.
Variant type: single nucleotide variant.
Coding change: c.8396C>T on transcript NM_032119.4 (MANE Select); coding-DNA position 8396, C replaced by T.
Protein change: p.Pro2799Leu; replaces proline 2799 with leucine.
Molecular consequence: missense variant. On other transcripts: non-coding transcript variant (1).
Genome position (GRCh38, 1-based): chr5:90,705,409, C>T. VCF-style: chr5-90705409-C-T. GRCh37 (hg19) VCF-style: chr5-90001226-C-T.
Other names: short protein forms P2799L.
Identifiers: ClinVar variation 46388 (VCV000046388.16), dbSNP rs200179979, ClinGen allele CA138240.